The following is an entry in ClinVar:

NM_001164508.2(NEB):c.22617A>T (p.Lys7539Asn)

Genes: NEB (nebulin; minus strand), RIF1 (replication timing regulatory factor 1; plus strand). Cytogenetic location: 2q23.3.
Variant type: single nucleotide variant.
Coding change: c.22617A>T on transcript NM_001164508.2 (MANE Select); coding-DNA position 22617, A replaced by T.
Protein change: p.Lys7539Asn; replaces lysine 7539 with asparagine.
Molecular consequence: missense variant.
Genome position (GRCh38, 1-based): chr2:151,519,043, T>A on the plus strand (A>T on the coding strand, the complement: NEB is on the minus strand). VCF-style: chr2-151519043-T-A. GRCh37 (hg19) VCF-style: chr2-152375557-T-A.
Other names: c.22617A>T, p.Lys7539Asn (NM_001164507.2); c.17514A>T (NM_004543.4); c.22722A>T, p.Lys7574Asn (NM_001271208.2); c.17514A>T, p.Lys5838Asn (NM_004543.5); short protein forms K5838N, K7539N, K7574N.
Identifiers: ClinVar variation 1407744 (VCV001407744.11), dbSNP rs755199802, ClinGen allele CA1906585.

ClinVar aggregate classification (germline): Uncertain significance. Review status: criteria provided, multiple submitters, no conflicts (2 of 4 stars). 3 submissions from 3 submitters: Uncertain significance (3). Last evaluated 2025-08-22.

Conditions:
Inborn genetic diseases. Identifiers: MedGen C0950123, MeSH D030342.
Nemaline myopathy 2 (NEM2). Also called: Nemaline myopathy 2, autosomal recessive. Identifiers: MedGen C1850569, MONDO:0009725, OMIM 256030.

Allele frequency attached by ClinVar (database versions not stated): ExAC 0.00001; gnomAD exomes 0.00002; TOPMed 0.00002.
gnomAD v4.1: 34 of 1,613,282 alleles (0.0021%); highest among the groups gnomAD compares: Non-Finnish European, 0.0027%; no homozygotes.

Submissions (3):

Ambry Genetics
Classification: Uncertain significance for Inborn genetic diseases. Last evaluated: 2025-08-22. Review status: criteria provided, single submitter. Criteria: Ambry Variant Classification Scheme 2023. Collection method: clinical testing. Allele origin: germline.

Revvity Omics, Revvity
Classification: Uncertain significance. Last evaluated: 2024-09-20. Review status: criteria provided, single submitter. Criteria: ACMG Guidelines, 2015. Collection method: clinical testing. Allele origin: germline.

Labcorp Genetics (formerly Invitae), Labcorp
Classification: Uncertain significance for Nemaline myopathy 2. Last evaluated: 2022-08-16. Review status: criteria provided, single submitter. Criteria: Invitae Variant Classification Sherloc (09022015). Collection method: clinical testing. Allele origin: germline.
Comment: This sequence change replaces lysine, which is basic and polar, with asparagine, which is neutral and polar, at codon 7574 of the NEB protein (p.Lys7574Asn). This variant is present in population databases (rs755199802, gnomAD 0.004%). This variant has not been reported in the literature in individuals affected with NEB-related conditions. ClinVar contains an entry for this variant (Variation ID: 1407744). Algorithms developed to predict the effect of missense changes on protein structure and function are either unavailable or do not agree on the potential impact of this missense change (SIFT: "Deleterious"; PolyPhen-2: "Not Available"; Align-GVGD: "Class C0"). In summary, the available evidence is currently insufficient to determine the role of this variant in disease. Therefore, it has been classified as a Variant of Uncertain Significance.